The following is an entry in ClinVar:

NM_001083962.2(TCF4):c.1912A>G (p.Lys638Glu)

Gene: TCF4 (transcription factor 4; minus strand). Cytogenetic location: 18q21.2.
Variant type: single nucleotide variant.
Coding change: c.1912A>G on transcript NM_001083962.2 (MANE Select); coding-DNA position 1912, A replaced by G.
Protein change: p.Lys638Glu; replaces lysine 638 with glutamic acid.
Molecular consequence: missense variant.
Genome position (GRCh38, 1-based): chr18:55,228,329, T>C on the plus strand (A>G on the coding strand, the complement: TCF4 is on the minus strand). VCF-style: chr18-55228329-T-C. GRCh37 (hg19) VCF-style: chr18-52895560-T-C.
Other names: c.2218A>G, p.Lys740Glu (NM_001243226.3); c.1840A>G, p.Lys614Glu (NM_001243227.2, NM_001348217.1, NM_001348218.2 and 1 more transcripts); c.1930A>G, p.Lys644Glu (NM_001243228.2); c.1891A>G, p.Lys631Glu (NM_001243230.2); c.1774A>G, p.Lys592Glu (NM_001243231.2); c.1699A>G, p.Lys567Glu (NM_001243232.1); c.1510A>G, p.Lys504Glu (NM_001243233.2, NM_001348212.2); c.1432A>G, p.Lys478Glu (NM_001243234.2, NM_001348216.2); and 14 more; short protein forms K422E, K473E, K474E, K478E, K504E, K508E, K563E, K567E.
Identifiers: ClinVar variation 2662118 (VCV002662118.1), dbSNP rs2511481051, ClinGen allele CA402527753.

ClinVar aggregate classification (germline): Uncertain significance (1 of 4 stars; one submission).

Submission:

GeneDx
Classification: Uncertain significance. Last evaluated: 2023-04-03. Review status: criteria provided, single submitter. Criteria: GeneDx Variant Classification Process June 2021. Collection method: clinical testing. Allele origin: germline. Affected: yes.
Comment: Not observed at significant frequency in large population cohorts (gnomAD); In silico analysis supports that this missense variant has a deleterious effect on protein structure/function; Has not been previously published as pathogenic or benign to our knowledge